The following is an entry in ClinVar:

ClinVar aggregate classification (germline): Uncertain significance. Review status: criteria provided, multiple submitters, no conflicts (2 of 4 stars). 2 submissions from 2 submitters: Uncertain significance (2). Last evaluated 2024-10-07.

Conditions:
Inborn genetic diseases. Identifiers: MedGen C0950123, MeSH D030342.

Allele frequency attached by ClinVar (database versions not stated): gnomAD 0.00002; ExAC 0.00003; TOPMed 0.00008.
gnomAD v4.1: 103 of 1,611,018 alleles (0.0064%); highest among the groups gnomAD compares: Middle Eastern, 0.016%; no homozygotes.

Submissions (2):

Ambry Genetics
Classification: Uncertain significance for Inborn genetic diseases. Last evaluated: 2024-10-07. Review status: criteria provided, single submitter. Criteria: Ambry Variant Classification Scheme 2023. Collection method: clinical testing. Allele origin: germline.

Labcorp Genetics (formerly Invitae), Labcorp
Classification: Uncertain significance. Last evaluated: 2021-11-15. Review status: criteria provided, single submitter. Criteria: Invitae Variant Classification Sherloc (09022015). Collection method: clinical testing. Allele origin: germline.
Comment: This sequence change replaces arginine, which is basic and polar, with glutamine, which is neutral and polar, at codon 178 of the COL27A1 protein (p.Arg178Gln). This variant is present in population databases (rs758587883, gnomAD 0.01%). This variant has not been reported in the literature in individuals affected with COL27A1-related conditions. Advanced modeling of protein sequence and biophysical properties (such as structural, functional, and spatial information, amino acid conservation, physicochemical variation, residue mobility, and thermodynamic stability) performed at Invitae indicates that this missense variant is not expected to disrupt COL27A1 protein function. In summary, the available evidence is currently insufficient to determine the role of this variant in disease. Therefore, it has been classified as a Variant of Uncertain Significance.

NM_032888.4(COL27A1):c.533G>A (p.Arg178Gln)

Gene: COL27A1 (collagen type XXVII alpha 1 chain; plus strand). Cytogenetic location: 9q32.
Variant type: single nucleotide variant.
Coding change: c.533G>A on transcript NM_032888.4 (MANE Select); coding-DNA position 533, G replaced by A.
Protein change: p.Arg178Gln; replaces arginine 178 with glutamine.
Molecular consequence: missense variant.
Genome position (GRCh38, 1-based): chr9:114,168,088, G>A. VCF-style: chr9-114168088-G-A. GRCh37 (hg19) VCF-style: chr9-116930368-G-A.
Other names: c.533G>A (NM_032888.2); short protein forms R178Q.
Identifiers: ClinVar variation 2076458 (VCV002076458.2), dbSNP rs758587883, ClinGen allele CA5201176.
Genomic context (GRCh38, chr9:114,168,088, plus strand): 5'-ACCTGGCCCTCGAGCTCCGAGGCCGCACAGTCACTCTGGTGACTGCCTGCGGGCAGCGCC[G>A]GGTGCCTGTCCTGCTGCCTTTCCACAGGGACCCTGCACTCGACCCTGGGGGCTCCTTCCT-3'
Protein context (NP_116277.2, residues 168-188): VTLVTACGQR[Arg178Gln]VPVLLPFHRD